The following is an entry in ClinVar:

NM_000321.3(RB1):c.884del (p.Asn295fs)

Gene: RB1 (RB transcriptional corepressor 1; plus strand). Cytogenetic location: 13q14.2.
Variant type: Deletion.
Coding change: c.884del on transcript NM_000321.3 (MANE Select); coding-DNA position 884, one base deleted (A; older notation c.884delA).
Protein change: p.Asn295fs; shifts the reading frame from asparagine 295.
Molecular consequence: frameshift variant.
Genome position (GRCh38, 1-based): chr13:48,364,916, A deleted; the last of 5 consecutive A bases (chr13:48,364,912-48,364,916); deleting any one gives the same sequence. VCF-style (leftmost placement, unchanged base first): chr13-48364911-CA-C. GRCh37 (hg19) VCF-style: chr13-48939047-CA-C.
Other names: c.884del, p.Asn295fs (NM_001407165.1, NM_001407166.1); short protein forms N295fs.
Identifiers: ClinVar variation 3236935 (VCV003236935.1), dbSNP rs587778828.
Genomic context (GRCh38, chr13:48,364,911, plus strand): 5'-GTTTTAAATTTTAATGATCATGTTGTAACTTCATCTTTTTCAGGTGAAAAATGTTTATTT[CA>C]AAAATTTTATACCTTTTATGAATTCTCTTGGACTTGTAACATCTAATGGACTTCCAGAGG-3'

ClinVar aggregate classification (germline): Pathogenic (1 of 4 stars; one submission).

Conditions:
Retinoblastoma (RB1). Also called: RETINOBLASTOMA, SOMATIC. Identifiers: Orphanet 790, MedGen C0035335, MeSH D012175, MONDO:0008380, OMIM 180200, HP:0009919. Disease mechanism: loss of function. Inheritance: Both sporadic and heritable forms are tested..

Submission:

Genetic Diagnostic Laboratory, University of Pennsylvania School of Medicine
Classification: Pathogenic for Retinoblastoma. Last evaluated: 2024-05-20. Review status: criteria provided, single submitter. Criteria: ACMG Guidelines, 2015. Collection method: clinical testing. Allele origin: germline. Affected: yes. Observed: 1 variant allele.
Comment: Case and Pedigree Information: BILATERAL CASES:1, UNILATERAL CASES:0, TOTAL CASES:1, PEDIGREES:1. ACMG Codes Applied:PVS1, PM2